The following is an entry in ClinVar:

NM_001382430.1(AKT1):c.1108C>A (p.Arg370Ser)

Gene: AKT1 (AKT serine/threonine kinase 1; minus strand). Cytogenetic location: 14q32.33.
Variant type: single nucleotide variant.
Coding change: c.1108C>A on transcript NM_001382430.1 (MANE Select); coding-DNA position 1108, C replaced by A.
Protein change: p.Arg370Ser; replaces arginine 370 with serine.
Molecular consequence: missense variant.
Genome position (GRCh38, 1-based): chr14:104,772,942, G>T on the plus strand (C>A on the coding strand, the complement: AKT1 is on the minus strand). VCF-style: chr14-104772942-G-T. GRCh37 (hg19) VCF-style: chr14-105239279-G-T.
Other names: c.1108C>A, p.Arg370Ser (NM_001014431.2, NM_001014432.2, NM_001382431.1 and 3 more transcripts); short protein forms R370S.
Identifiers: ClinVar variation 1794247 (VCV001794247.7), dbSNP rs549370342, ClinGen allele CA391216776.
Genomic context (GRCh38, chr14:104,772,942, plus strand): 5'-GCTTGGGGTCCTTCTTGAGCAGCCCTGAAAGCAAGGACTTGGCCTCGGGACCAAGCGTGC[G>T]CGGGAAGCGGATCTCCTCCATGAGGATGAGCTCAAAAAGCTTCTCATGGTCCTGGTTGTA-3'
Protein context (NP_001369359.1, residues 360-380): LILMEEIRFP[Arg370Ser]TLGPEAKSLL

ClinVar aggregate classification (germline): Uncertain significance. Review status: criteria provided, multiple submitters, no conflicts (2 of 4 stars). 2 submissions from 2 submitters: Uncertain significance (2). Last evaluated 2023-10-25.

Conditions:
Cowden syndrome 6 (CWS6). Identifiers: Orphanet 201, MedGen C3554519, MONDO:0014048, OMIM 615109.
Inborn genetic diseases. Identifiers: MedGen C0950123, MeSH D030342.

gnomAD v4.1: 3 of 1,613,924 alleles (0.00019%); highest among the groups gnomAD compares: African/African-American, 0.004%; no homozygotes.

Submissions (2):

Ambry Genetics
Classification: Uncertain significance for Inborn genetic diseases. Last evaluated: 2023-10-25. Review status: criteria provided, single submitter. Criteria: Ambry Variant Classification Scheme 2023. Collection method: clinical testing. Allele origin: germline.
Comment: The p.R370S variant (also known as c.1108C>A), located in coding exon 10 of the AKT1 gene, results from a C to A substitution at nucleotide position 1108. The arginine at codon 370 is replaced by serine, an amino acid with dissimilar properties. This amino acid position is conserved. In addition, the in silico prediction for this alteration is inconclusive. Since supporting evidence is limited at this time, the clinical significance of this alteration remains unclear.

Labcorp Genetics (formerly Invitae), Labcorp
Classification: Uncertain significance for Cowden syndrome 6. Last evaluated: 2023-05-02. Review status: criteria provided, single submitter. Criteria: Invitae Variant Classification Sherloc (09022015). Collection method: clinical testing. Allele origin: germline.
Comment: This sequence change replaces arginine, which is basic and polar, with serine, which is neutral and polar, at codon 370 of the AKT1 protein (p.Arg370Ser). In summary, the available evidence is currently insufficient to determine the role of this variant in disease. Therefore, it has been classified as a Variant of Uncertain Significance. An algorithm developed to predict the effect of missense changes on protein structure and function (PolyPhen-2) suggests that this variant is likely to be disruptive. ClinVar contains an entry for this variant (Variation ID: 1794247). This variant has not been reported in the literature in individuals affected with AKT1-related conditions. This variant is present in population databases (no rsID available, gnomAD 0.007%).